The following is an entry in ClinVar:

NM_000243.3(MEFV):c.1677C>T (p.Leu559=)

Gene: MEFV (MEFV innate immunity regulator, pyrin; minus strand). Cytogenetic location: 16p13.3.
Variant type: single nucleotide variant.
Coding change: c.1677C>T on transcript NM_000243.3 (MANE Select); coding-DNA position 1677, C replaced by T.
Protein change: p.Leu559=; no amino-acid change (leucine 559 retained).
Molecular consequence: synonymous variant.
Genome position (GRCh38, 1-based): chr16:3,244,522, G>A on the plus strand (C>T on the coding strand, the complement: MEFV is on the minus strand). VCF-style: chr16-3244522-G-A. GRCh37 (hg19) VCF-style: chr16-3294522-G-A.
Other names: c.1044C>T, p.Leu348= (NM_001198536.2).
Identifiers: ClinVar variation 1139651 (VCV001139651.13), dbSNP rs144672997, ClinGen allele CA7860040.

ClinVar aggregate classification (germline): Conflicting classifications of pathogenicity. Review status: criteria provided, conflicting classifications (1 of 4 stars). 7 submissions from 5 submitters: Uncertain significance (1); Likely benign (6). Last evaluated 2026-04-15.

Conditions:
MEFV-related disorder. Also called: MEFV-related disorders; MEFV-related condition.
Acute febrile neutrophilic dermatosis (AFND). Also called: Sweet Syndrome; Gomm Button disease. Identifiers: Orphanet 3243, MedGen C0085077, MONDO:0011959, OMIM 608068.
Inborn genetic diseases. Identifiers: MedGen C0950123, MeSH D030342.
Familial Mediterranean fever (FMF). Also called: POLYSEROSITIS, FAMILIAL PAROXYSMAL; POLYSEROSITIS, RECURRENT; Periodic peritonitis; Benign paroxysmal peritonitis. Identifiers: Orphanet 342, MedGen C0031069, MONDO:0018088, OMIM 249100. Disease mechanism: gain of function.
Familial Mediterranean fever, autosomal dominant. Also called: FMF, AUTOSOMAL DOMINANT; Dominant Familial Mediterranean Fever. Identifiers: Orphanet 342, MedGen C1851347, MONDO:0007601, OMIM 134610.

Allele frequency attached by ClinVar (database versions not stated): gnomAD exomes 0.00001 and 0.00004; ExAC 0.00006; 1000 Genomes Project 30x 0.00016; 1000 Genomes Project 0.00020; TOPMed 0.00021; ESP Exome Variant Server 0.00023; gnomAD 0.00023 and 0.00024.

Submissions (7):

PreventionGenetics, part of Exact Sciences
Classification: Likely benign for MEFV-related condition. Last evaluated: 2026-04-15. Review status: criteria provided, single submitter. Criteria: ACMG Guidelines, 2015. Collection method: clinical testing. Allele origin: germline.
Comment: This variant is classified as likely benign based on ACMG/AMP sequence variant interpretation guidelines (Richards et al. 2015 PMID: 25741868, with internal and published modifications).

Labcorp Genetics (formerly Invitae), Labcorp
Classification: Likely benign for Familial Mediterranean fever. Last evaluated: 2026-01-11. Review status: criteria provided, single submitter. Criteria: Invitae Variant Classification Sherloc (09022015). Collection method: clinical testing. Allele origin: germline.

Genome-Nilou Lab
Classification: Uncertain significance for Familial Mediterranean fever. Last evaluated: 2023-02-08. Review status: criteria provided, single submitter. Criteria: ACMG Guidelines, 2015. Collection method: clinical testing. Allele origin: germline.

Genome-Nilou Lab
Classification: Likely benign for Familial Mediterranean fever, autosomal dominant. Last evaluated: 2023-02-08. Review status: criteria provided, single submitter. Criteria: ACMG Guidelines, 2015. Collection method: clinical testing. Allele origin: germline.

Genome-Nilou Lab
Classification: Likely benign for Acute febrile neutrophilic dermatosis. Last evaluated: 2023-02-08. Review status: criteria provided, single submitter. Criteria: ACMG Guidelines, 2015. Collection method: clinical testing. Allele origin: germline.

Ambry Genetics
Classification: Likely benign for Inborn genetic diseases. Last evaluated: 2022-08-16. Review status: criteria provided, single submitter. Criteria: Ambry Variant Classification Scheme 2023. Collection method: clinical testing. Allele origin: germline.

Blueprint Genetics
Classification: Likely benign. Last evaluated: 2022-07-17. Review status: criteria provided, single submitter. Criteria: ACMG Guidelines, 2015. Collection method: clinical testing. Allele origin: germline.